The following is an entry in ClinVar:

ClinVar aggregate classification (germline): Uncertain significance (1 of 4 stars; one submission).

Conditions:
Bethlem myopathy 1A. Also called: Bethlem myopathy 1; Bethlem Muscular Dystrophy; MYOPATHY, BENIGN CONGENITAL, WITH CONTRACTURES. Identifiers: Orphanet 610, MedGen CN029274, MONDO:0024530, OMIM 158810.

Submission:

Labcorp Genetics (formerly Invitae), Labcorp
Classification: Uncertain significance for Bethlem myopathy 1A. Last evaluated: 2021-10-19. Review status: criteria provided, single submitter. Criteria: Invitae Variant Classification Sherloc (09022015). Collection method: clinical testing. Allele origin: germline.
Comment: In summary, the available evidence is currently insufficient to determine the role of this variant in disease. Therefore, it has been classified as a Variant of Uncertain Significance. Advanced modeling of protein sequence and biophysical properties (such as structural, functional, and spatial information, amino acid conservation, physicochemical variation, residue mobility, and thermodynamic stability) performed at Invitae indicates that this missense variant is not expected to disrupt COL6A3 protein function. This variant has not been reported in the literature in individuals affected with COL6A3-related conditions. This variant is not present in population databases (ExAC no frequency). This sequence change replaces valine with leucine at codon 2187 of the COL6A3 protein (p.Val2187Leu). The valine residue is weakly conserved and there is a small physicochemical difference between valine and leucine.

NM_004369.4(COL6A3):c.6559G>C (p.Val2187Leu)

Gene: COL6A3 (collagen type VI alpha 3 chain; minus strand). Cytogenetic location: 2q37.3.
Variant type: single nucleotide variant.
Coding change: c.6559G>C on transcript NM_004369.4 (MANE Select); coding-DNA position 6559, G replaced by C.
Protein change: p.Val2187Leu; replaces valine 2187 with leucine.
Molecular consequence: missense variant.
Genome position (GRCh38, 1-based): chr2:237,357,370, C>G on the plus strand (G>C on the coding strand, the complement: COL6A3 is on the minus strand). VCF-style: chr2-237357370-C-G. GRCh37 (hg19) VCF-style: chr2-238266013-C-G.
Other names: c.4738G>C, p.Val1580Leu (NM_057166.5); c.5941G>C, p.Val1981Leu (NM_057167.4); short protein forms V1580L, V1981L, V2187L.
Identifiers: ClinVar variation 1385551 (VCV001385551.6), dbSNP rs2106339211, ClinGen allele CA351214188.